The following is an entry in ClinVar:

ClinVar aggregate classification (germline): Uncertain significance (1 of 4 stars; one submission).

Submission:

Labcorp Genetics (formerly Invitae), Labcorp
Classification: Uncertain significance. Last evaluated: 2022-09-07. Review status: criteria provided, single submitter. Criteria: Invitae Variant Classification Sherloc (09022015). Collection method: clinical testing. Allele origin: germline.
Comment: This sequence change replaces aspartic acid, which is acidic and polar, with tyrosine, which is neutral and polar, at codon 43 of the EFTUD2 protein (p.Asp43Tyr). This variant is not present in population databases (gnomAD no frequency). This variant has not been reported in the literature in individuals affected with EFTUD2-related conditions. Algorithms developed to predict the effect of missense changes on protein structure and function are either unavailable or do not agree on the potential impact of this missense change (SIFT: "Deleterious"; PolyPhen-2: "Possibly Damaging"; Align-GVGD: "Class C0"). In summary, the available evidence is currently insufficient to determine the role of this variant in disease. Therefore, it has been classified as a Variant of Uncertain Significance.

NM_004247.4(EFTUD2):c.127G>T (p.Asp43Tyr)

Gene: EFTUD2 (elongation factor Tu GTP binding domain containing 2; minus strand). Cytogenetic location: 17q21.31.
Variant type: single nucleotide variant.
Coding change: c.127G>T on transcript NM_004247.4 (MANE Select); coding-DNA position 127, G replaced by T.
Protein change: p.Asp43Tyr; replaces aspartic acid 43 with tyrosine.
Molecular consequence: missense variant.
Genome position (GRCh38, 1-based): chr17:44,886,729, C>A on the plus strand (G>T on the coding strand, the complement: EFTUD2 is on the minus strand). VCF-style: chr17-44886729-C-A. GRCh37 (hg19) VCF-style: chr17-42964097-C-A.
Other names: c.22G>T, p.Asp8Tyr (NM_001142605.2); c.127G>T, p.Asp43Tyr (NM_001258353.2, NM_001258354.2); short protein forms D43Y, D8Y.
Identifiers: ClinVar variation 2005091 (VCV002005091.4), dbSNP rs547762808, ClinGen allele CA399826691.